The following is an entry in ClinVar:

NM_145064.3(STAC3):c.334+3G>T

Gene: STAC3 (SH3 and cysteine rich domain 3; minus strand). Cytogenetic location: 12q13.3.
Variant type: single nucleotide variant.
Coding change: c.334+3G>T on transcript NM_145064.3 (MANE Select); 3 bases into the intron after coding-DNA position 334, G replaced by T.
Molecular consequence: intron variant.
Genome position (GRCh38, 1-based): chr12:57,249,038, C>A on the plus strand (G>T on the coding strand, the complement: STAC3 is on the minus strand). VCF-style: chr12-57249038-C-A. GRCh37 (hg19) VCF-style: chr12-57642821-C-A.
Other names: c.-126-840G>T (NM_001286257.2); c.217+3G>T (NM_001286256.2).
Identifiers: ClinVar variation 1470695 (VCV001470695.6), dbSNP rs2136835225, ClinGen allele CA2573148839.

ClinVar aggregate classification (germline): Uncertain significance (1 of 4 stars; one submission).

Conditions:
Bailey-Bloch congenital myopathy (CMYO13). Also called: Native American myopathy; Congenital myopathy 13; STAC3 disorder. Identifiers: Orphanet 168572, MedGen C1850625, MONDO:0009722, OMIM 255995.

Submission:

Labcorp Genetics (formerly Invitae), Labcorp
Classification: Uncertain significance for Bailey-Bloch congenital myopathy. Last evaluated: 2020-12-23. Review status: criteria provided, single submitter. Criteria: Invitae Variant Classification Sherloc (09022015). Collection method: clinical testing. Allele origin: germline.
Comment: In summary, the available evidence is currently insufficient to determine the role of this variant in disease. Therefore, it has been classified as a Variant of Uncertain Significance. Nucleotide substitutions within the consensus splice site are a relatively common cause of aberrant splicing (PMID: 17576681, 9536098). Algorithms developed to predict the effect of sequence changes on RNA splicing suggest that this variant may disrupt the consensus splice site, but this prediction has not been confirmed by published transcriptional studies. This variant has not been reported in the literature in individuals with STAC3-related conditions. This variant is not present in population databases (ExAC no frequency). This sequence change falls in intron 3 of the STAC3 gene. It does not directly change the encoded amino acid sequence of the STAC3 protein. It affects a nucleotide within the consensus splice site of the intron.

Literature cited by the submitters: PubMed 17576681; PubMed 9536098.